The following is an entry in ClinVar:

ClinVar aggregate classification (germline): Uncertain significance (1 of 4 stars; one submission).

Allele frequency attached by ClinVar (database versions not stated): gnomAD exomes below 0.00001; TOPMed below 0.00001.
gnomAD v4.1: 1 of 1,613,538 alleles (0.000062%); highest among the groups gnomAD compares: Non-Finnish European, 0.000085%; no homozygotes.

Submission:

Labcorp Genetics (formerly Invitae), Labcorp
Classification: Uncertain significance. Last evaluated: 2022-02-10. Review status: criteria provided, single submitter. Criteria: Invitae Variant Classification Sherloc (09022015). Collection method: clinical testing. Allele origin: germline.
Comment: In summary, the available evidence is currently insufficient to determine the role of this variant in disease. Therefore, it has been classified as a Variant of Uncertain Significance. Algorithms developed to predict the effect of missense changes on protein structure and function are either unavailable or do not agree on the potential impact of this missense change (SIFT: "Deleterious"; PolyPhen-2: "Probably Damaging"; Align-GVGD: "Class C0"). This variant has not been reported in the literature in individuals affected with CLUAP1-related conditions. This variant is not present in population databases (gnomAD no frequency). This sequence change replaces glutamic acid, which is acidic and polar, with alanine, which is neutral and non-polar, at codon 47 of the CLUAP1 protein (p.Glu47Ala).

NM_015041.3(CLUAP1):c.140A>C (p.Glu47Ala)

Gene: CLUAP1 (clusterin associated protein 1; plus strand). Cytogenetic location: 16p13.3.
Variant type: single nucleotide variant.
Coding change: c.140A>C on transcript NM_015041.3 (MANE Select); coding-DNA position 140, A replaced by C.
Protein change: p.Glu47Ala; replaces glutamic acid 47 with alanine.
Molecular consequence: missense variant.
Genome position (GRCh38, 1-based): chr16:3,506,336, A>C. VCF-style: chr16-3506336-A-C. GRCh37 (hg19) VCF-style: chr16-3556336-A-C.
Other names: c.140A>C, p.Glu47Ala (NM_001330454.2); short protein forms E47A.
Identifiers: ClinVar variation 2093957 (VCV002093957.4), dbSNP rs2037505692, ClinGen allele CA394510879.